The following is an entry in ClinVar:

NM_173630.4(RTTN):c.3802C>T (p.Arg1268Ter)

Gene: RTTN (rotatin; minus strand). Cytogenetic location: 18q22.2.
Variant type: single nucleotide variant.
Coding change: c.3802C>T on transcript NM_173630.4 (MANE Select); coding-DNA position 3802, C replaced by T.
Protein change: p.Arg1268Ter; replaces arginine 1268 with a stop codon.
Molecular consequence: nonsense.
Genome position (GRCh38, 1-based): chr18:70,109,599, G>A on the plus strand (C>T on the coding strand, the complement: RTTN is on the minus strand). VCF-style: chr18-70109599-G-A. GRCh37 (hg19) VCF-style: chr18-67776835-G-A.
Other names: c.1066C>T, p.Arg356Ter (NM_001318520.2); short protein forms R356*, R1268*.
Identifiers: ClinVar variation 4795442 (VCV004795442.1).

ClinVar aggregate classification (germline): Likely pathogenic (1 of 4 stars; one submission).

gnomAD v4.1: 21 of 1,614,018 alleles (0.0013%); highest among the groups gnomAD compares: African/African-American, 0.0027%; no homozygotes.

Submission:

GeneDx
Classification: Likely pathogenic. Last evaluated: 2025-08-11. Review status: criteria provided, single submitter. Criteria: GeneDx Variant Classification Process June 2021. Collection method: clinical testing. Allele origin: germline. Affected: yes.
Comment: Nonsense variant predicted to result in protein truncation or nonsense mediated decay in a gene for which loss of function is a known mechanism of disease; Not observed at significant frequency in large population cohorts (gnomAD); Has not been previously published as pathogenic or benign to our knowledge